The following is an entry in ClinVar:

ClinVar aggregate classification (germline): Conflicting classifications of pathogenicity. Review status: criteria provided, conflicting classifications (1 of 4 stars). 2 submissions from 2 submitters: Uncertain significance (1); Likely benign (1). Last evaluated 2025-07-30.

Conditions:
Generalized epilepsy-paroxysmal dyskinesia syndrome (PNKD3). Also called: Generalized epilepsy and paroxysmal dyskinesia; Paroxysmal nonkinesigenic dyskinesia, 3, with or without generalized epilepsy. Identifiers: Orphanet 79137, MedGen C5574945, MONDO:0012276, OMIM 609446.

Allele frequency attached by ClinVar (database versions not stated): TOPMed 0.00004; gnomAD exomes 0.00006; ExAC 0.00010; 1000 Genomes Project 30x 0.00016; 1000 Genomes Project 0.00020.
gnomAD v4.1: 59 of 1,614,060 alleles (0.0037%); highest among the groups gnomAD compares: African/African-American, 0.016%; no homozygotes.

Submissions (2):

Labcorp Genetics (formerly Invitae), Labcorp
Classification: Likely benign for Generalized epilepsy-paroxysmal dyskinesia syndrome. Last evaluated: 2025-07-30. Review status: criteria provided, single submitter. Criteria: Invitae Variant Classification Sherloc (09022015). Collection method: clinical testing. Allele origin: germline.

GeneDx
Classification: Uncertain significance. Last evaluated: 2021-01-15. Review status: criteria provided, single submitter. Criteria: GeneDx Variant Classification Process June 2021. Collection method: clinical testing. Allele origin: germline. Affected: yes.
Comment: In silico analysis supports that this missense variant does not alter protein structure/function; Has not been previously published as pathogenic or benign to our knowledge

NM_001161352.2(KCNMA1):c.3547G>A (p.Gly1183Ser)

Gene: KCNMA1 (potassium calcium-activated channel subfamily M alpha 1; minus strand). Cytogenetic location: 10q22.3.
Variant type: single nucleotide variant.
Coding change: c.3547G>A on transcript NM_001161352.2 (MANE Select); coding-DNA position 3547, G replaced by A.
Protein change: p.Gly1183Ser; replaces glycine 1183 with serine.
Molecular consequence: missense variant.
Genome position (GRCh38, 1-based): chr10:76,887,430, C>T on the plus strand (G>A on the coding strand, the complement: KCNMA1 is on the minus strand). VCF-style: chr10-76887430-C-T. GRCh37 (hg19) VCF-style: chr10-78647188-C-T.
Other names: c.3385G>A, p.Gly1129Ser (NM_001014797.3); c.3496G>A, p.Gly1166Ser (NM_001161353.2); c.3223G>A, p.Gly1075Ser (NM_001271518.2); c.3463G>A, p.Gly1155Ser (NM_001271519.2); c.3382G>A, p.Gly1128Ser (NM_001322829.2, NM_001322836.2); c.3475G>A, p.Gly1159Ser (NM_001322830.2); c.3373G>A, p.Gly1125Ser (NM_001322832.2, NM_002247.4); c.3466G>A, p.Gly1156Ser (NM_001322835.2, NM_001322837.2); and 1 more; short protein forms G1075S, G1125S, G1128S, G1129S, G1155S, G1156S, G1159S, G1166S.
Identifiers: ClinVar variation 1011015 (VCV001011015.9), dbSNP rs549360933, ClinGen allele CA5567816.